The following is an entry in ClinVar:

NM_001113491.2(SEPTIN9):c.1003C>T (p.Arg335Cys)

Gene: SEPTIN9 (septin 9; plus strand). Cytogenetic location: 17q25.3.
Variant type: single nucleotide variant.
Coding change: c.1003C>T on transcript NM_001113491.2 (MANE Select); coding-DNA position 1003, C replaced by T.
Protein change: p.Arg335Cys; replaces arginine 335 with cysteine.
Molecular consequence: missense variant.
Genome position (GRCh38, 1-based): chr17:77,487,513, C>T. VCF-style: chr17-77487513-C-T. GRCh37 (hg19) VCF-style: chr17-75483595-C-T.
Other names: c.511C>T, p.Arg171Cys (NM_001113492.2, NM_001113494.1); c.982C>T, p.Arg328Cys (NM_001113493.2); c.250C>T, p.Arg84Cys (NM_001113495.2, NM_001113496.2, NM_001293697.2 and 1 more transcripts); c.946C>T, p.Arg316Cys (NM_001293695.2); c.331C>T, p.Arg111Cys (NM_001293696.2); c.949C>T, p.Arg317Cys (NM_006640.5); short protein forms R111C, R171C, R316C, R317C, R328C, R335C, R84C.
Identifiers: ClinVar variation 2446280 (VCV002446280.3), dbSNP rs866329694, ClinGen allele CA294294965.

ClinVar aggregate classification (germline): Uncertain significance. Review status: criteria provided, multiple submitters, no conflicts (2 of 4 stars). 2 submissions from 2 submitters: Uncertain significance (2). Last evaluated 2024-06-11.

Allele frequency attached by ClinVar (database versions not stated): gnomAD 0.00001; TOPMed 0.00002.
gnomAD v4.1: 19 of 1,613,426 alleles (0.0012%); highest among the groups gnomAD compares: South Asian, 0.0033%; no homozygotes.

Submissions (2):

Labcorp Genetics (formerly Invitae), Labcorp
Classification: Uncertain significance. Last evaluated: 2024-06-11. Review status: criteria provided, single submitter. Criteria: Invitae Variant Classification Sherloc (09022015). Collection method: clinical testing. Allele origin: germline.
Comment: This sequence change replaces arginine, which is basic and polar, with cysteine, which is neutral and slightly polar, at codon 317 of the SEPT9 protein (p.Arg317Cys). The frequency data for this variant in the population databases is considered unreliable, as metrics indicate poor data quality at this position in the gnomAD database. This variant has not been reported in the literature in individuals affected with SEPT9-related conditions. ClinVar contains an entry for this variant (Variation ID: 2446280). Advanced modeling of protein sequence and biophysical properties (such as structural, functional, and spatial information, amino acid conservation, physicochemical variation, residue mobility, and thermodynamic stability) performed at Invitae indicates that this missense variant is expected to disrupt SEPT9 protein function with a positive predictive value of 80%. In summary, the available evidence is currently insufficient to determine the role of this variant in disease. Therefore, it has been classified as a Variant of Uncertain Significance.

GeneDx
Classification: Uncertain significance. Last evaluated: 2022-09-23. Review status: criteria provided, single submitter. Criteria: GeneDx Variant Classification Process June 2021. Collection method: clinical testing. Allele origin: germline. Affected: yes.
Comment: Not observed at significant frequency in large population cohorts (gnomAD); In silico analysis supports that this missense variant has a deleterious effect on protein structure/function; Has not been previously published as pathogenic or benign to our knowledge